The following is an entry in ClinVar:

NM_015311.3(OBSL1):c.3731C>T (p.Thr1244Ile)

Gene: OBSL1 (obscurin like cytoskeletal adaptor 1; minus strand). Cytogenetic location: 2q35.
Variant type: single nucleotide variant.
Coding change: c.3731C>T on transcript NM_015311.3 (MANE Select); coding-DNA position 3731, C replaced by T.
Protein change: p.Thr1244Ile; replaces threonine 1244 with isoleucine.
Molecular consequence: missense variant.
Genome position (GRCh38, 1-based): chr2:219,557,882, G>A on the plus strand (C>T on the coding strand, the complement: OBSL1 is on the minus strand). VCF-style: chr2-219557882-G-A. GRCh37 (hg19) VCF-style: chr2-220422604-G-A.
Other names: c.3731C>T, p.Thr1244Ile (NM_001173431.2); short protein forms T1244I.
Identifiers: ClinVar variation 2082485 (VCV002082485.29), dbSNP rs776603965, ClinGen allele CA2130769.

ClinVar aggregate classification (germline): Uncertain significance. Review status: criteria provided, multiple submitters, no conflicts (2 of 4 stars). 4 submissions from 4 submitters: Uncertain significance (4). Last evaluated 2024-11-26.

Conditions:
Inborn genetic diseases. Identifiers: MedGen C0950123, MeSH D030342.

Allele frequency attached by ClinVar (database versions not stated): gnomAD 0.00001; TOPMed 0.00002; ExAC 0.00004.
gnomAD v4.1: 107 of 1,601,852 alleles (0.0067%); highest among the groups gnomAD compares: South Asian, 0.023%; no homozygotes.

Submissions (4):

Blueprint Genetics
Classification: Uncertain significance. Last evaluated: 2024-11-26. Review status: criteria provided, single submitter. Criteria: ACMG Guidelines, 2015. Collection method: clinical testing. Allele origin: germline.

Ambry Genetics
Classification: Uncertain significance for Inborn genetic diseases. Last evaluated: 2024-09-25. Review status: criteria provided, single submitter. Criteria: Ambry Variant Classification Scheme 2023. Collection method: clinical testing. Allele origin: germline.

CeGaT Center for Human Genetics Tuebingen
Classification: Uncertain significance. Last evaluated: 2022-11-01. Review status: criteria provided, single submitter. Criteria: CeGaT Center For Human Genetics Tuebingen Variant Classification Criteria Version 2. Collection method: clinical testing. Allele origin: germline. Affected: yes. Observed: 1 variant allele.
Comment: OBSL1: PM2, BP1

Labcorp Genetics (formerly Invitae), Labcorp
Classification: Uncertain significance. Last evaluated: 2022-08-08. Review status: criteria provided, single submitter. Criteria: Invitae Variant Classification Sherloc (09022015). Collection method: clinical testing. Allele origin: germline.
Comment: In summary, the available evidence is currently insufficient to determine the role of this variant in disease. Therefore, it has been classified as a Variant of Uncertain Significance. Algorithms developed to predict the effect of missense changes on protein structure and function (SIFT, PolyPhen-2, Align-GVGD) all suggest that this variant is likely to be tolerated. This variant has not been reported in the literature in individuals affected with OBSL1-related conditions. This variant is present in population databases (rs776603965, gnomAD 0.02%). This sequence change replaces threonine, which is neutral and polar, with isoleucine, which is neutral and non-polar, at codon 1244 of the OBSL1 protein (p.Thr1244Ile).